The following is an entry in ClinVar:

ClinVar aggregate classification (germline): Uncertain significance. Review status: criteria provided, single submitter (1 of 4 stars). 2 submissions from 2 submitters: Uncertain significance (1). 1 of the submissions does not count toward it. Last evaluated 2025-11-20.

Conditions:
PLXNA2-related disorder. Also called: PLXNA2-related condition.

gnomAD v4.1: 22 of 1,614,000 alleles (0.0014%); highest among the groups gnomAD compares: Non-Finnish European, 0.0017%; no homozygotes.

Submissions (2):

Ambry Genetics
Classification: Uncertain significance. Last evaluated: 2025-11-20. Review status: criteria provided, single submitter. Criteria: Ambry Variant Classification Scheme 2023. Collection method: clinical testing. Allele origin: germline.

PreventionGenetics, part of Exact Sciences
Classification: Uncertain significance for PLXNA2-related condition. Last evaluated: 2024-09-25. Review status: no assertion criteria provided. Collection method: clinical testing. Allele origin: germline. Not counted in ClinVar's aggregate classification.
Comment: The PLXNA2 c.736G>A variant is predicted to result in the amino acid substitution p.Gly246Ser. To our knowledge, this variant has not been reported in the literature. This variant is reported in 0.0040% of alleles in individuals of African descent in gnomAD. At this time, the clinical significance of this variant is uncertain due to the absence of conclusive functional and genetic evidence.

NM_025179.4(PLXNA2):c.736G>A (p.Gly246Ser)

Gene: PLXNA2 (plexin A2; minus strand). Cytogenetic location: 1q32.2.
Variant type: single nucleotide variant.
Coding change: c.736G>A on transcript NM_025179.4 (MANE Select); coding-DNA position 736, G replaced by A.
Protein change: p.Gly246Ser; replaces glycine 246 with serine.
Molecular consequence: missense variant.
Genome position (GRCh38, 1-based): chr1:208,217,187, C>T on the plus strand (G>A on the coding strand, the complement: PLXNA2 is on the minus strand). VCF-style: chr1-208217187-C-T. GRCh37 (hg19) VCF-style: chr1-208390532-C-T.
Other names: short protein forms G246S.
Identifiers: ClinVar variation 3351126 (VCV003351126.2).